The following is an entry in ClinVar:

ClinVar aggregate classification (germline): Likely benign. Review status: criteria provided, multiple submitters, no conflicts (2 of 4 stars). 3 submissions from 3 submitters: Likely benign (2). 1 of the submissions does not count toward it. Last evaluated 2025-10-15.

Conditions:
VPS13B-related disorder. Also called: VPS13B-related condition.
Cohen syndrome (COH1). Also called: PEPPER SYNDROME; Cutis verticis gyrata, retinitis pigmentosa, and sensorineural deafness. Identifiers: Orphanet 193, MedGen C0265223, MONDO:0008999, OMIM 216550.

Allele frequency attached by ClinVar (database versions not stated): gnomAD exomes below 0.00001 and 0.00001; TOPMed 0.00002.
gnomAD v4.1: 3 of 1,614,216 alleles (0.00019%); highest among the groups gnomAD compares: Non-Finnish European, 0.00017%; no homozygotes.

Submissions (3):

Labcorp Genetics (formerly Invitae), Labcorp
Classification: Likely benign for Cohen syndrome. Last evaluated: 2025-10-15. Review status: criteria provided, single submitter. Criteria: Invitae Variant Classification Sherloc (09022015). Collection method: clinical testing. Allele origin: germline.

Blueprint Genetics
Classification: Likely benign. Last evaluated: 2024-11-08. Review status: criteria provided, single submitter. Criteria: ACMG Guidelines, 2015. Collection method: clinical testing. Allele origin: germline.

PreventionGenetics, part of Exact Sciences
Classification: Likely benign for VPS13B-related condition. Last evaluated: 2022-03-24. Review status: no assertion criteria provided. Collection method: clinical testing. Allele origin: germline. Not counted in ClinVar's aggregate classification.
Comment: This variant is classified as likely benign based on ACMG/AMP sequence variant interpretation guidelines (Richards et al. 2015 PMID: 25741868, with internal and published modifications).

NM_152564.5(VPS13B):c.11518A>C (p.Arg3840=)

Gene: VPS13B (vacuolar protein sorting 13 homolog B; plus strand). Cytogenetic location: 8q22.2.
Variant type: single nucleotide variant.
Coding change: c.11518A>C on transcript NM_152564.5 (MANE Select); coding-DNA position 11518, A replaced by C.
Protein change: p.Arg3840=; no amino-acid change (arginine 3840 retained).
Molecular consequence: synonymous variant.
Genome position (GRCh38, 1-based): chr8:99,871,470, A>C. VCF-style: chr8-99871470-A-C. GRCh37 (hg19) VCF-style: chr8-100883698-A-C.
Other names: c.11593A>C, p.Arg3865= (NM_017890.5); c.11518A>C (NM_152564.4).
Identifiers: ClinVar variation 1124474 (VCV001124474.11), dbSNP rs1343441630, ClinGen allele CA462458552.